The following is an entry in ClinVar:

ClinVar aggregate classification (germline): Benign. Review status: criteria provided, multiple submitters, no conflicts (2 of 4 stars). 3 submissions from 3 submitters: Benign (3). Last evaluated 2026-02-02.

Conditions:
Hyperphosphatasia with intellectual disability syndrome 5 (GPIBD11). Also called: GLYCOSYLPHOSPHATIDYLINOSITOL BIOSYNTHESIS DEFECT 11. Identifiers: Orphanet 247262, MedGen C4014958, MONDO:0014457, OMIM 616025.

Allele frequency attached by ClinVar (database versions not stated): ESP Exome Variant Server 0.00008; gnomAD 0.00089; TOPMed 0.00166; 1000 Genomes Project 30x 0.00328; 1000 Genomes Project 0.00379.
gnomAD v4.1: 1,018 of 1,613,740 alleles (0.063%); highest among the groups gnomAD compares: East Asian, 1.9%; 10 homozygotes.

Submissions (9):

Labcorp Genetics (formerly Invitae), Labcorp
Classification: Benign for Hyperphosphatasia with intellectual disability syndrome 5. Last evaluated: 2026-02-02. Review status: criteria provided, single submitter. Criteria: Invitae Variant Classification Sherloc (09022015). Collection method: clinical testing. Allele origin: germline.

Mayo Clinic Laboratories, Mayo Clinic
Classification: Benign. Last evaluated: 2024-11-18. Review status: criteria provided, single submitter. Criteria: ACMG Guidelines, 2015. Collection method: clinical testing. Allele origin: germline. Observed: 3 variant alleles.
Comment: BS1, BS2, BP4

Breakthrough Genomics
Classification: Benign. Review status: criteria provided, single submitter. Criteria: ACMG Guidelines, 2015. Collection method: not provided. Allele origin: germline. Inheritance: Autosomal recessive inheritance. Affected: yes.

Dr. Peter K. Rogan Lab, Western University
No classification provided (evidence only). Condition: Hepatocellular carcinoma. Review status: no classification provided. Collection method: in vitro. Allele origin: not applicable. Functional consequence: retained intron. Not counted in ClinVar's aggregate classification.

Dr. Peter K. Rogan Lab, Western University
No classification provided (evidence only). Condition: Hepatocellular carcinoma. Review status: no classification provided. Collection method: in vitro. Allele origin: not applicable. Functional consequence: retained intron. Not counted in ClinVar's aggregate classification.

Dr. Peter K. Rogan Lab, Western University
No classification provided (evidence only). Condition: Hepatocellular carcinoma. Review status: no classification provided. Collection method: in vitro. Allele origin: not applicable. Functional consequence: retained intron. Not counted in ClinVar's aggregate classification.

Dr. Peter K. Rogan Lab, Western University
No classification provided (evidence only). Condition: Hepatocellular carcinoma. Review status: no classification provided. Collection method: in vitro. Allele origin: not applicable. Functional consequence: retained intron. Not counted in ClinVar's aggregate classification.

Dr. Peter K. Rogan Lab, Western University
No classification provided (evidence only). Condition: Hepatocellular carcinoma. Review status: no classification provided. Collection method: in vitro. Allele origin: not applicable. Functional consequence: retained intron. Not counted in ClinVar's aggregate classification.

Dr. Peter K. Rogan Lab, Western University
No classification provided (evidence only). Condition: Gastric cancer. Review status: no classification provided. Collection method: in vitro. Allele origin: not applicable. Functional consequence: retained intron. Not counted in ClinVar's aggregate classification.

NM_001346754.2(PIGW):c.253G>A (p.Gly85Ser)

Genes: MYO19 (myosin XIX; minus strand), PIGW (phosphatidylinositol glycan anchor biosynthesis class W; plus strand). Cytogenetic location: 17q12.
Variant type: single nucleotide variant.
Coding change: c.253G>A on transcript NM_001346754.2 (MANE Select); coding-DNA position 253, G replaced by A.
Protein change: p.Gly85Ser; replaces glycine 85 with serine.
Molecular consequence: missense variant.
Genome position (GRCh38, 1-based): chr17:36,537,354, G>A. VCF-style: chr17-36537354-G-A. GRCh37 (hg19) VCF-style: chr17-34893203-G-A.
Other names: p.Gly85Ser; c.253G>A (NM_178517.4); c.253G>A, p.Gly85Ser (NM_001346755.2, NM_178517.5); short protein forms G85S.
Identifiers: ClinVar variation 784571 (VCV000784571.14), dbSNP rs117789606, ClinGen allele CA290115815.